The following is an entry in ClinVar:

NM_000057.4(BLM):c.1505G>C (p.Ser502Thr)

Gene: BLM (BLM RecQ like helicase; plus strand). Cytogenetic location: 15q26.1.
Variant type: single nucleotide variant.
Coding change: c.1505G>C on transcript NM_000057.4 (MANE Select); coding-DNA position 1505, G replaced by C.
Protein change: p.Ser502Thr; replaces serine 502 with threonine.
Molecular consequence: missense variant.
Genome position (GRCh38, 1-based): chr15:90,760,878, G>C. VCF-style: chr15-90760878-G-C. GRCh37 (hg19) VCF-style: chr15-91304108-G-C.
Other names: c.1505G>C, p.Ser502Thr (NM_001287246.2, NM_001287247.2); c.380G>C, p.Ser127Thr (NM_001287248.2); c.1505G>C (NM_000057.2); short protein forms S502T, S127T.
Identifiers: ClinVar variation 454082 (VCV000454082.11), dbSNP rs908599703, ClinGen allele CA274738279.

ClinVar aggregate classification (germline): Uncertain significance. Review status: criteria provided, multiple submitters, no conflicts (2 of 4 stars). 3 submissions from 3 submitters: Uncertain significance (2). 1 of the submissions does not count toward it. Last evaluated 2024-10-18.

Conditions:
Hereditary cancer-predisposing syndrome. Also called: Hereditary Cancer Syndrome; Hereditary neoplastic syndrome; Neoplastic Syndromes, Hereditary; Tumor predisposition. Identifiers: Orphanet 140162, MedGen C0027672, MeSH D009386, MONDO:0015356.
Bloom syndrome (BLM). Also called: Bloom-Torre-Machacek syndrome. Identifiers: Orphanet 125, MedGen C0005859, MONDO:0008876, OMIM 210900.

Allele frequency attached by ClinVar (database versions not stated): TOPMed 0.00001.

Submissions (3):

Labcorp Genetics (formerly Invitae), Labcorp
Classification: Uncertain significance for Bloom syndrome. Last evaluated: 2024-10-18. Review status: criteria provided, single submitter. Criteria: Invitae Variant Classification Sherloc (09022015). Collection method: clinical testing. Allele origin: germline.
Comment: This sequence change replaces serine, which is neutral and polar, with threonine, which is neutral and polar, at codon 502 of the BLM protein (p.Ser502Thr). This variant is not present in population databases (gnomAD no frequency). This variant has not been reported in the literature in individuals affected with BLM-related conditions. ClinVar contains an entry for this variant (Variation ID: 454082). Invitae Evidence Modeling of protein sequence and biophysical properties (such as structural, functional, and spatial information, amino acid conservation, physicochemical variation, residue mobility, and thermodynamic stability) indicates that this missense variant is not expected to disrupt BLM protein function with a negative predictive value of 80%. In summary, the available evidence is currently insufficient to determine the role of this variant in disease. Therefore, it has been classified as a Variant of Uncertain Significance.

Ambry Genetics
Classification: Uncertain significance for Hereditary cancer-predisposing syndrome. Last evaluated: 2023-11-22. Review status: criteria provided, single submitter. Criteria: Ambry Variant Classification Scheme 2023. Collection method: clinical testing. Allele origin: germline.
Comment: The p.S502T variant (also known as c.1505G>C), located in coding exon 6 of the BLM gene, results from a G to C substitution at nucleotide position 1505. The serine at codon 502 is replaced by threonine, an amino acid with similar properties. This amino acid position is conserved. In addition, this alteration is predicted to be tolerated by in silico analysis. Since supporting evidence is limited at this time, the clinical significance of this alteration remains unclear.

Natera, Inc.
Classification: Uncertain significance for Bloom syndrome. Last evaluated: 2020-09-16. Review status: no assertion criteria provided. Collection method: clinical testing. Allele origin: germline. Not counted in ClinVar's aggregate classification.